The following is an entry in ClinVar:

NM_000038.6(APC):c.6559G>T (p.Gly2187Ter)

Gene: APC (APC regulator of Wnt signaling pathway; plus strand). Cytogenetic location: 5q22.2.
Variant type: single nucleotide variant.
Coding change: c.6559G>T on transcript NM_000038.6 (MANE Select); coding-DNA position 6559, G replaced by T.
Protein change: p.Gly2187Ter; replaces glycine 2187 with a stop codon.
Molecular consequence: nonsense. On other transcripts: non-coding transcript variant (2).
Genome position (GRCh38, 1-based): chr5:112,842,153, G>T. VCF-style: chr5-112842153-G-T. GRCh37 (hg19) VCF-style: chr5-112177850-G-T.
Other names: c.6559G>T, p.Gly2187Ter (NM_001127510.3, NM_001354895.2, NM_001407450.1); c.6505G>T, p.Gly2169Ter (NM_001127511.3); c.6613G>T, p.Gly2205Ter (NM_001354896.2, NM_001407447.1, NM_001407448.1 and 1 more transcripts); c.6589G>T, p.Gly2197Ter (NM_001354897.2); c.6484G>T, p.Gly2162Ter (NM_001354898.2); c.6475G>T, p.Gly2159Ter (NM_001354899.2); c.6436G>T, p.Gly2146Ter (NM_001354900.2); c.6382G>T, p.Gly2128Ter (NM_001354901.2, NM_001407453.1); and 11 more; short protein forms G2061*, G2177*, G2215*, G2180*, G2187*, G2128*, G2146*, G2159*.
Identifiers: ClinVar variation 3408463 (VCV003408463.1).

ClinVar aggregate classification (germline): Likely pathogenic (1 of 4 stars; one submission).

Conditions:
Hereditary cancer-predisposing syndrome. Also called: Neoplastic Syndromes, Hereditary; Tumor predisposition; Hereditary Cancer Syndrome; Hereditary neoplastic syndrome. Identifiers: Orphanet 140162, MedGen C0027672, MeSH D009386, MONDO:0015356.

Submission:

Ambry Genetics
Classification: Likely pathogenic for Hereditary cancer-predisposing syndrome. Last evaluated: 2024-09-11. Review status: criteria provided, single submitter. Criteria: Ambry Variant Classification Scheme 2023. Collection method: clinical testing. Allele origin: germline.
Comment: The p.G2187* variant (also known as c.6559G>T), located in coding exon 15 of the APC gene, results from a G to T substitution at nucleotide position 6559. This changes the amino acid from a glycine to a stop codon within coding exon 15. This alteration occurs at the 3' terminus of theAPC gene, is not expected to trigger nonsense-mediated mRNA decay, and only impacts the last 23% of the protein. However, premature stop codons are typically deleterious in nature and a significant portion of the protein is affected (Ambry internal data). This variant is considered to be rare based on population cohorts in the Genome Aggregation Database (gnomAD). Based on the majority of available evidence to date, this variant is likely to be pathogenic.